The following is an entry in ClinVar:

NM_001330691.3(CEP78):c.725A>C (p.Asp242Ala)

Gene: CEP78 (centrosomal protein 78; plus strand). Cytogenetic location: 9q21.2.
Variant type: single nucleotide variant.
Coding change: c.725A>C on transcript NM_001330691.3 (MANE Select); coding-DNA position 725, A replaced by C.
Protein change: p.Asp242Ala; replaces aspartic acid 242 with alanine.
Molecular consequence: missense variant.
Genome position (GRCh38, 1-based): chr9:78,243,583, A>C. VCF-style: chr9-78243583-A-C. GRCh37 (hg19) VCF-style: chr9-80858499-A-C.
Other names: c.725A>C (NM_001098802.1); c.725A>C, p.Asp242Ala (NM_001098802.3, NM_001330693.3, NM_001330694.2 and 4 more transcripts); short protein forms D242A.
Identifiers: ClinVar variation 2124087 (VCV002124087.5), dbSNP rs1826334768, ClinGen allele CA374000641.

ClinVar aggregate classification (germline): Uncertain significance. Review status: criteria provided, multiple submitters, no conflicts (2 of 4 stars). 2 submissions from 2 submitters: Uncertain significance (2). Last evaluated 2025-02-24.

Conditions:
Inborn genetic diseases. Identifiers: MedGen C0950123, MeSH D030342.

Allele frequency attached by ClinVar (database versions not stated): gnomAD exomes below 0.00001; TOPMed below 0.00001.
gnomAD v4.1: 4 of 1,613,892 alleles (0.00025%); highest among the groups gnomAD compares: African/African-American, 0.004%; no homozygotes.

Submissions (2):

Ambry Genetics
Classification: Uncertain significance for Inborn genetic diseases. Last evaluated: 2025-02-24. Review status: criteria provided, single submitter. Criteria: Ambry Variant Classification Scheme 2023. Collection method: clinical testing. Allele origin: germline.

Labcorp Genetics (formerly Invitae), Labcorp
Classification: Uncertain significance. Last evaluated: 2022-08-23. Review status: criteria provided, single submitter. Criteria: Invitae Variant Classification Sherloc (09022015). Collection method: clinical testing. Allele origin: germline.
Comment: This sequence change replaces aspartic acid, which is acidic and polar, with alanine, which is neutral and non-polar, at codon 242 of the CEP78 protein (p.Asp242Ala). This variant is not present in population databases (gnomAD no frequency). This variant has not been reported in the literature in individuals affected with CEP78-related conditions. Algorithms developed to predict the effect of missense changes on protein structure and function are either unavailable or do not agree on the potential impact of this missense change (SIFT: "Deleterious"; PolyPhen-2: "Probably Damaging"; Align-GVGD: "Class C0"). In summary, the available evidence is currently insufficient to determine the role of this variant in disease. Therefore, it has been classified as a Variant of Uncertain Significance.